The following is an entry in ClinVar:

ClinVar aggregate classification (germline): Likely pathogenic (1 of 4 stars; one submission).

Conditions:
Mucopolysaccharidosis, MPS-IV-B (MPS4B). Also called: MORQUIO SYNDROME B; Mucopolysaccharidosis type 4B; Mucopolysaccharidosis type IVB (Morquio); MPS IVB; Mucopolysaccharidosis type IV B; Mucopolysaccharidosis Type IVB. Identifiers: Orphanet 309310, Orphanet 582, MedGen C0086652, MONDO:0009660, OMIM 253010.

Submission:

Natera, Inc.
Classification: Likely pathogenic for Mucopolysaccharidosis, MPS-IV-B. Last evaluated: 2025-11-06. Review status: criteria provided, single submitter. Criteria: Natera Variant Classification Schema (03/2026). Collection method: clinical testing. Allele origin: germline.
Comment: The c.414G>A variant in GLB1 is a nonsense variant predicted to introduce a stop codon at amino acid 138. This variant is expected to result in nonsense mediated decay, truncation, or a dysfunctional protein product. This variant is rare in the general population with a frequency below the threshold expected for the associated phenotype(s). Given the available evidence, this variant is classified as Likely Pathogenic.

NM_000404.4(GLB1):c.414G>A (p.Trp138Ter)

Gene: GLB1 (galactosidase beta 1; minus strand). Cytogenetic location: 3p22.3.
Variant type: single nucleotide variant.
Coding change: c.414G>A on transcript NM_000404.4 (MANE Select); coding-DNA position 414, G replaced by A.
Protein change: p.Trp138Ter; replaces tryptophan 138 with a stop codon.
Molecular consequence: nonsense. On other transcripts: intron variant (1).
Genome position (GRCh38, 1-based): chr3:33,068,273, C>T on the plus strand (G>A on the coding strand, the complement: GLB1 is on the minus strand). VCF-style: chr3-33068273-C-T. GRCh37 (hg19) VCF-style: chr3-33109765-C-T.
Other names: c.246-2716G>A (NM_001135602.3); c.324G>A, p.Trp108Ter (NM_001079811.3); c.558G>A, p.Trp186Ter (NM_001317040.2); c.414G>A, p.Trp138Ter (NM_001393580.1); short protein forms W108*, W138*, W186*.
Identifiers: ClinVar variation 4818320 (VCV004818320.1).